The following is an entry in ClinVar:

ClinVar aggregate classification (germline): Uncertain significance. Review status: criteria provided, multiple submitters, no conflicts (2 of 4 stars). 2 submissions from 2 submitters: Uncertain significance (2). Last evaluated 2026-04-16.

Allele frequency attached by ClinVar (database versions not stated): gnomAD exomes below 0.00001.
gnomAD v4.1: 2 of 1,614,174 alleles (0.00012%); highest among the groups gnomAD compares: South Asian, 0.0022%; no homozygotes.

Submissions (2):

GeneDx
Classification: Uncertain significance. Last evaluated: 2026-04-16. Review status: criteria provided, single submitter. Criteria: GeneDx Variant Classification Process June 2021. Collection method: clinical testing. Allele origin: germline.
Comment: Not observed at significant frequency in large population cohorts (gnomAD); In silico analysis supports that this missense variant has a deleterious effect on protein structure/function; Has not been previously published as pathogenic or benign to our knowledge

CeGaT Center for Human Genetics Tuebingen
Classification: Uncertain significance. Last evaluated: 2024-01-01. Review status: criteria provided, single submitter. Criteria: CeGaT Center For Human Genetics Tuebingen Variant Classification Criteria Version 2. Collection method: clinical testing. Allele origin: germline. Affected: yes. Observed: 1 variant allele.
Comment: TRPS1: PM2

NM_014112.5(TRPS1):c.2531C>T (p.Pro844Leu)

Gene: TRPS1 (transcriptional repressor GATA binding 1; minus strand). Cytogenetic location: 8q23.3.
Variant type: single nucleotide variant.
Coding change: c.2531C>T on transcript NM_014112.5 (MANE Select); coding-DNA position 2531, C replaced by T.
Protein change: p.Pro844Leu; replaces proline 844 with leucine.
Molecular consequence: missense variant.
Genome position (GRCh38, 1-based): chr8:115,587,170, G>A on the plus strand (C>T on the coding strand, the complement: TRPS1 is on the minus strand). VCF-style: chr8-115587170-G-A. GRCh37 (hg19) VCF-style: chr8-116599397-G-A.
Other names: c.2531C>T (NM_014112.2); c.2492C>T, p.Pro831Leu (NM_001330599.2); c.2504C>T, p.Pro835Leu (NM_001282902.3); c.2510C>T, p.Pro837Leu (NM_001282903.3); short protein forms P831L, P835L, P837L, P844L.
Identifiers: ClinVar variation 3026989 (VCV003026989.23), dbSNP rs1817579861, ClinGen allele CA372064916.
Genomic context (GRCh38, chr8:115,587,170, plus strand): 5'-CCCTTGGTTTCCACAGCCAAGCCATAAATAGGTCGCGCCAGATGGGCGGCCTCCACATTG[G>A]GACTATCCCTTAGAGTCTTTGTCTGCTCTTGGGTGCCAGACACAGGCGTCAGCAGCCCCA-3'
Protein context (NP_054831.2, residues 834-854): QEQTKTLRDS[Pro844Leu]NVEAAHLARP